The following is an entry in ClinVar:

ClinVar aggregate classification (germline): Uncertain significance (1 of 4 stars; one submission).

Submission:

Labcorp Genetics (formerly Invitae), Labcorp
Classification: Uncertain significance. Last evaluated: 2024-08-31. Review status: criteria provided, single submitter. Criteria: Invitae Variant Classification Sherloc (09022015). Collection method: clinical testing. Allele origin: germline.
Comment: This sequence change falls in intron 7 of the TBC1D8B gene. It does not directly change the encoded amino acid sequence of the TBC1D8B protein. It affects a nucleotide within the consensus splice site. This variant is present in population databases (rs374934254, gnomAD 0.004%). This variant has not been reported in the literature in individuals affected with TBC1D8B-related conditions. Variants that disrupt the consensus splice site are a relatively common cause of aberrant splicing (PMID: 17576681, 9536098). Algorithms developed to predict the effect of sequence changes on RNA splicing suggest that this variant may disrupt the consensus splice site. In summary, the available evidence is currently insufficient to determine the role of this variant in disease. Therefore, it has been classified as a Variant of Uncertain Significance.

Literature cited by the submitters: PubMed 17576681; PubMed 9536098.

NM_017752.3(TBC1D8B):c.1203+4A>G

Gene: TBC1D8B (TBC1 domain family member 8B; plus strand). Cytogenetic location: Xq22.3.
Variant type: single nucleotide variant.
Coding change: c.1203+4A>G on transcript NM_017752.3 (MANE Select); 4 bases into the intron after coding-DNA position 1203, A replaced by G.
Molecular consequence: intron variant.
Genome position (GRCh38, 1-based): chrX:106,827,341, A>G. VCF-style: chrX-106827341-A-G. GRCh37 (hg19) VCF-style: chrX-106070571-A-G.
Other names: c.1203+4A>G (NM_198881.2).
Identifiers: ClinVar variation 3716800 (VCV003716800.2).